The following is an entry in ClinVar:

NM_014804.3(KIAA0753):c.1406G>A (p.Gly469Glu)

Gene: KIAA0753 (KIAA0753; minus strand). Cytogenetic location: 17p13.1.
Variant type: single nucleotide variant.
Coding change: c.1406G>A on transcript NM_014804.3 (MANE Select); coding-DNA position 1406, G replaced by A.
Protein change: p.Gly469Glu; replaces glycine 469 with glutamic acid.
Molecular consequence: missense variant.
Genome position (GRCh38, 1-based): chr17:6,612,058, C>T on the plus strand (G>A on the coding strand, the complement: KIAA0753 is on the minus strand). VCF-style: chr17-6612058-C-T. GRCh37 (hg19) VCF-style: chr17-6515378-C-T.
Other names: c.509G>A, p.Gly170Glu (NM_001351225.2); c.1406G>A (NM_014804.2); short protein forms G170E, G469E.
Identifiers: ClinVar variation 1918997 (VCV001918997.5), dbSNP rs373425195, ClinGen allele CA287352390.

ClinVar aggregate classification (germline): Uncertain significance. Review status: criteria provided, multiple submitters, no conflicts (2 of 4 stars). 2 submissions from 2 submitters: Uncertain significance (2). Last evaluated 2025-06-03.

Conditions:
Inborn genetic diseases. Identifiers: MedGen C0950123, MeSH D030342.

Allele frequency attached by ClinVar (database versions not stated): gnomAD 0.00001; TOPMed 0.00002; ESP Exome Variant Server 0.00008.
gnomAD v4.1: 3 of 1,614,058 alleles (0.00019%); highest among the groups gnomAD compares: Admixed American, 0.0017%; no homozygotes.

Submissions (2):

Ambry Genetics
Classification: Uncertain significance for Inborn genetic diseases. Last evaluated: 2025-06-03. Review status: criteria provided, single submitter. Criteria: Ambry Variant Classification Scheme 2023. Collection method: clinical testing. Allele origin: germline.

Labcorp Genetics (formerly Invitae), Labcorp
Classification: Uncertain significance. Last evaluated: 2024-04-15. Review status: criteria provided, single submitter. Criteria: Invitae Variant Classification Sherloc (09022015). Collection method: clinical testing. Allele origin: germline.
Comment: This sequence change replaces glycine, which is neutral and non-polar, with glutamic acid, which is acidic and polar, at codon 469 of the KIAA0753 protein (p.Gly469Glu). This variant is not present in population databases (gnomAD no frequency). This variant has not been reported in the literature in individuals affected with KIAA0753-related conditions. ClinVar contains an entry for this variant (Variation ID: 1918997). An algorithm developed to predict the effect of missense changes on protein structure and function (PolyPhen-2) suggests that this variant is likely to be tolerated. In summary, the available evidence is currently insufficient to determine the role of this variant in disease. Therefore, it has been classified as a Variant of Uncertain Significance.